The following is an entry in ClinVar:

ClinVar aggregate classification (germline): Uncertain significance. Review status: criteria provided, multiple submitters, no conflicts (2 of 4 stars). 2 submissions from 2 submitters: Uncertain significance (2). Last evaluated 2025-02-12.

Conditions:
Neuroblastoma, susceptibility to, 3. Also called: ALK-Related Neuroblastic Tumor Susceptibility. Identifiers: Orphanet 635, MedGen C2751681, MONDO:0013083, OMIM 613014.
Hereditary cancer-predisposing syndrome. Also called: Neoplastic Syndromes, Hereditary; Tumor predisposition; Hereditary Cancer Syndrome; Hereditary neoplastic syndrome. Identifiers: Orphanet 140162, MedGen C0027672, MeSH D009386, MONDO:0015356.

Allele frequency attached by ClinVar (database versions not stated): gnomAD exomes below 0.00001.
gnomAD v4.1: 2 of 1,613,668 alleles (0.00012%); highest among the groups gnomAD compares: Non-Finnish European, 0.00017%; no homozygotes.

Submissions (2):

Labcorp Genetics (formerly Invitae), Labcorp
Classification: Uncertain significance for Neuroblastoma, susceptibility to, 3. Last evaluated: 2025-02-12. Review status: criteria provided, single submitter. Criteria: Invitae Variant Classification Sherloc (09022015). Collection method: clinical testing. Allele origin: germline.
Comment: This sequence change replaces lysine, which is basic and polar, with asparagine, which is neutral and polar, at codon 1352 of the ALK protein (p.Lys1352Asn). This variant is not present in population databases (gnomAD no frequency). This variant has not been reported in the literature in individuals affected with ALK-related conditions. ClinVar contains an entry for this variant (Variation ID: 1737412). An algorithm developed to predict the effect of missense changes on protein structure and function (PolyPhen-2) suggests that this variant is likely to be disruptive. In summary, the available evidence is currently insufficient to determine the role of this variant in disease. Therefore, it has been classified as a Variant of Uncertain Significance.

Ambry Genetics
Classification: Uncertain significance for Hereditary cancer-predisposing syndrome. Last evaluated: 2022-01-28. Review status: criteria provided, single submitter. Criteria: Ambry Variant Classification Scheme 2023. Collection method: clinical testing. Allele origin: germline.
Comment: The p.K1352N variant (also known as c.4056G>C), located in coding exon 27 of the ALK gene, results from a G to C substitution at nucleotide position 4056. The lysine at codon 1352 is replaced by asparagine, an amino acid with similar properties. This amino acid position is highly conserved in available vertebrate species. In addition, this alteration is predicted to be tolerated by in silico analysis. Since supporting evidence is limited at this time, the clinical significance of this alteration remains unclear.

NM_004304.5(ALK):c.4056G>C (p.Lys1352Asn)

Gene: ALK (ALK receptor tyrosine kinase; minus strand). Cytogenetic location: 2p23.2.
Variant type: single nucleotide variant.
Coding change: c.4056G>C on transcript NM_004304.5 (MANE Select); coding-DNA position 4056, G replaced by C.
Protein change: p.Lys1352Asn; replaces lysine 1352 with asparagine.
Molecular consequence: missense variant.
Genome position (GRCh38, 1-based): chr2:29,197,559, C>G on the plus strand (G>C on the coding strand, the complement: ALK is on the minus strand). VCF-style: chr2-29197559-C-G. GRCh37 (hg19) VCF-style: chr2-29420425-C-G.
Other names: c.852G>C, p.Lys284Asn (NM_001353765.2); short protein forms K284N, K1352N.
Identifiers: ClinVar variation 1737412 (VCV001737412.3), dbSNP rs2148143244, ClinGen allele CA346465856.